The following is an entry in ClinVar:

NM_000222.3(KIT):c.2925T>A (p.Asp975Glu)

Gene: KIT (KIT proto-oncogene, receptor tyrosine kinase; plus strand). Cytogenetic location: 4q12.
Variant type: single nucleotide variant.
Coding change: c.2925T>A on transcript NM_000222.3 (MANE Select); coding-DNA position 2925, T replaced by A.
Protein change: p.Asp975Glu; replaces aspartic acid 975 with glutamic acid.
Molecular consequence: missense variant.
Genome position (GRCh38, 1-based): chr4:54,738,551, T>A. VCF-style: chr4-54738551-T-A. GRCh37 (hg19) VCF-style: chr4-55604717-T-A.
Other names: c.2913T>A, p.Asp971Glu (NM_001093772.2, NM_001385292.1); c.2928T>A, p.Asp976Glu (NM_001385284.1); c.2922T>A, p.Asp974Glu (NM_001385285.1); c.2910T>A, p.Asp970Glu (NM_001385286.1); c.2916T>A, p.Asp972Glu (NM_001385288.1); c.2925T>A, p.Asp975Glu (NM_001385290.1); short protein forms D975E, D971E, D974E, D970E, D976E, D972E.
Identifiers: ClinVar variation 1797746 (VCV001797746.4), dbSNP rs2109819612, ClinGen allele CA356916633.

ClinVar aggregate classification (germline): Uncertain significance. Review status: criteria provided, multiple submitters, no conflicts (2 of 4 stars). 2 submissions from 2 submitters: Uncertain significance (2). Last evaluated 2025-11-30.

Conditions:
Hereditary cancer-predisposing syndrome. Also called: Neoplastic Syndromes, Hereditary; Hereditary neoplastic syndrome; Hereditary Cancer Syndrome; Tumor predisposition. Identifiers: Orphanet 140162, MedGen C0027672, MeSH D009386, MONDO:0015356.
Gastrointestinal stromal tumor. Also called: Gastrointestinal stromal tumor, somatic; Gastrointestinal stroma tumor. Identifiers: Orphanet 44890, MedGen C0238198, MeSH D046152, MONDO:0011719, OMIM 606764, HP:0100723.

Submissions (2):

Ambry Genetics
Classification: Uncertain significance for Hereditary cancer-predisposing syndrome. Last evaluated: 2025-11-30. Review status: criteria provided, single submitter. Criteria: Ambry Variant Classification Scheme 2023. Collection method: clinical testing. Allele origin: germline.
Comment: The p.D975E variant (also known as c.2925T>A), located in coding exon 21 of the KIT gene, results from a T to A substitution at nucleotide position 2925. The aspartic acid at codon 975 is replaced by glutamic acid, an amino acid with highly similar properties. This amino acid position is conserved. In addition, this alteration is predicted to be tolerated by in silico analysis. Since supporting evidence is limited at this time, the clinical significance of this alteration remains unclear.

Labcorp Genetics (formerly Invitae), Labcorp
Classification: Uncertain significance for Gastrointestinal stromal tumor. Last evaluated: 2024-09-29. Review status: criteria provided, single submitter. Criteria: Invitae Variant Classification Sherloc (09022015). Collection method: clinical testing. Allele origin: germline.
Comment: This sequence change replaces aspartic acid, which is acidic and polar, with glutamic acid, which is acidic and polar, at codon 975 of the KIT protein (p.Asp975Glu). This variant is not present in population databases (gnomAD no frequency). This variant has not been reported in the literature in individuals affected with KIT-related conditions. ClinVar contains an entry for this variant (Variation ID: 1797746). An algorithm developed to predict the effect of missense changes on protein structure and function (PolyPhen-2) suggests that this variant is likely to be tolerated. In summary, the available evidence is currently insufficient to determine the role of this variant in disease. Therefore, it has been classified as a Variant of Uncertain Significance.